The following is an entry in ClinVar:

ClinVar aggregate classification (germline): Uncertain significance (1 of 4 stars; one submission).

Conditions:
Inborn genetic diseases. Identifiers: MedGen C0950123, MeSH D030342.

Submission:

Ambry Genetics
Classification: Uncertain significance for Inborn genetic diseases. Last evaluated: 2018-11-23. Review status: criteria provided, single submitter. Criteria: Ambry Variant Classification Scheme 2023. Collection method: clinical testing. Allele origin: germline.
Comment: The p.N346K variant (also known as c.1038C>G), located in coding exon 7 of the ZEB2 gene, results from a C to G substitution at nucleotide position 1038. The asparagine at codon 346 is replaced by lysine, an amino acid with similar properties. This amino acid position is well conserved in available vertebrate species. In addition, this alteration is predicted to be tolerated by in silico analysis. Since supporting evidence is limited at this time, the clinical significance of this alteration remains unclear.

NM_014795.4(ZEB2):c.1038C>G (p.Asn346Lys)

Gene: ZEB2 (zinc finger E-box binding homeobox 2; minus strand). Cytogenetic location: 2q22.3.
Variant type: single nucleotide variant.
Coding change: c.1038C>G on transcript NM_014795.4 (MANE Select); coding-DNA position 1038, C replaced by G.
Protein change: p.Asn346Lys; replaces asparagine 346 with lysine.
Molecular consequence: missense variant.
Genome position (GRCh38, 1-based): chr2:144,400,149, G>C on the plus strand (C>G on the coding strand, the complement: ZEB2 is on the minus strand). VCF-style: chr2-144400149-G-C. GRCh37 (hg19) VCF-style: chr2-145157716-G-C.
Other names: c.966C>G, p.Asn322Lys (NM_001171653.2); short protein forms N322K, N346K.
Identifiers: ClinVar variation 1773147 (VCV001773147.2), dbSNP rs2549107142, ClinGen allele CA348712942.